The following is an entry in ClinVar:

ClinVar aggregate classification (germline): Benign. Review status: criteria provided, single submitter (1 of 4 stars). 2 submissions from 1 submitter: Benign (2). Last evaluated 2018-01-13.

Conditions:
Hypophosphatemic rickets, autosomal recessive, 2 (ARHR2). Identifiers: Orphanet 289176, MedGen C2750078, MONDO:0013219, OMIM 613312.
Arterial calcification, generalized, of infancy, 1 (GACI1). Also called: Idiopathic Infantile Arterial Calcification. Identifiers: Orphanet 51608, MedGen C4551985, MONDO:0008817, OMIM 208000.

Allele frequency attached by ClinVar (database versions not stated): gnomAD exomes 0.00990; gnomAD 0.05172 and 0.05378; 1000 Genomes Project 0.05651; TOPMed 0.05777.
gnomAD v4.1: 7,749 of 150,776 alleles (5.1%); highest among the groups gnomAD compares: African/African-American, 14%; 442 homozygotes.

Submissions (2):

Illumina Laboratory Services, Illumina
Classification: Benign for Arterial calcification, generalized, of infancy, 1. Last evaluated: 2018-01-13. Review status: criteria provided, single submitter. Criteria: ICSL Variant Classification Criteria 13 December 2019. Collection method: clinical testing. Allele origin: germline.
Comment: This variant was observed in the ICSL laboratory as part of a predisposition screen in an ostensibly healthy population. It had not been previously curated by ICSL or reported in the Human Gene Mutation Database (HGMD: prior to June 1st, 2018), and was therefore a candidate for classification through an automated scoring system. Utilizing variant allele frequency, disease prevalence and penetrance estimates, and inheritance mode, an automated score was calculated to assess if this variant is too frequent to cause the disease. Based on the score and internal cut-off values, a variant classified as benign is not then subjected to further curation. The score for this variant resulted in a classification of benign for this disease.

Illumina Laboratory Services, Illumina
Classification: Benign for Hypophosphatemic rickets, autosomal recessive, 2. Last evaluated: 2018-01-13. Review status: criteria provided, single submitter. Criteria: ICSL Variant Classification Criteria 13 December 2019. Collection method: clinical testing. Allele origin: germline.
Comment: the same text as in the submission from Illumina Laboratory Services, Illumina above.

NM_006208.3(ENPP1):c.*3838G>A

Gene: ENPP1 (ectonucleotide pyrophosphatase/phosphodiesterase 1; plus strand). Cytogenetic location: 6q23.2.
Variant type: single nucleotide variant.
Coding change: c.*3838G>A on transcript NM_006208.3 (MANE Select); 3838 bases downstream of the stop codon, G replaced by A.
Molecular consequence: 3 prime UTR variant.
Genome position (GRCh38, 1-based): chr6:131,894,349, G>A. VCF-style: chr6-131894349-G-A. GRCh37 (hg19) VCF-style: chr6-132215489-G-A.
Identifiers: ClinVar variation 355427 (VCV000355427.5), dbSNP rs59958908, ClinGen allele CA10622974.